The following is an entry in ClinVar:

NM_000395.3(CSF2RB):c.1145C>G (p.Thr382Arg)

Gene: CSF2RB (colony stimulating factor 2 receptor subunit beta; plus strand). Cytogenetic location: 22q12.3.
Variant type: single nucleotide variant.
Coding change: c.1145C>G on transcript NM_000395.3 (MANE Select); coding-DNA position 1145, C replaced by G.
Protein change: p.Thr382Arg; replaces threonine 382 with arginine.
Molecular consequence: missense variant.
Genome position (GRCh38, 1-based): chr22:36,932,897, C>G. VCF-style: chr22-36932897-C-G. GRCh37 (hg19) VCF-style: chr22-37328939-C-G.
Other names: c.1145C>G (NM_000395.2); short protein forms T382R.
Identifiers: ClinVar variation 1498713 (VCV001498713.9), dbSNP rs745676465, ClinGen allele CA10213706.
Genomic context (GRCh38, chr22:36,932,897, plus strand): 5'-AAATGCGATACGAACACATAGACCACACATTTGAGATCCAGTACAGGAAAGACACGGCCA[C>G]GTGGAAGGTGAGGGCCTTTGCCCAGGGAGGGGAGAAACACTGGGGAGGGCGGGAGAAGGG-3'
Protein context (NP_000386.1, residues 372-392): FEIQYRKDTA[Thr382Arg]WKDSKTETLQ

ClinVar aggregate classification (germline): Uncertain significance. Review status: criteria provided, multiple submitters, no conflicts (2 of 4 stars). 2 submissions from 2 submitters: Uncertain significance (2). Last evaluated 2022-06-29.

Conditions:
Inborn genetic diseases. Identifiers: MedGen C0950123, MeSH D030342.

Allele frequency attached by ClinVar (database versions not stated): gnomAD 0.00001; TOPMed 0.00001.
gnomAD v4.1: 135 of 1,613,910 alleles (0.0084%); highest among the groups gnomAD compares: Non-Finnish European, 0.0078%; 1 homozygote.

Submissions (2):

Ambry Genetics
Classification: Uncertain significance for Inborn genetic diseases. Last evaluated: 2022-06-29. Review status: criteria provided, single submitter. Criteria: Ambry Variant Classification Scheme 2023. Collection method: clinical testing. Allele origin: germline.

Labcorp Genetics (formerly Invitae), Labcorp
Classification: Uncertain significance. Last evaluated: 2020-12-28. Review status: criteria provided, single submitter. Criteria: Invitae Variant Classification Sherloc (09022015). Collection method: clinical testing. Allele origin: germline.
Comment: In summary, the available evidence is currently insufficient to determine the role of this variant in disease. Therefore, it has been classified as a Variant of Uncertain Significance. Algorithms developed to predict the effect of missense changes on protein structure and function (SIFT, PolyPhen-2, Align-GVGD) all suggest that this variant is likely to be tolerated, but these predictions have not been confirmed by published functional studies and their clinical significance is uncertain. This variant has not been reported in the literature in individuals with CSF2RB-related conditions. This variant is present in population databases (rs745676465, ExAC 0.06%). This sequence change replaces threonine with arginine at codon 382 of the CSF2RB protein (p.Thr382Arg). The threonine residue is weakly conserved and there is a moderate physicochemical difference between threonine and arginine.